The following is an entry in ClinVar:

NM_000218.3(KCNQ1):c.1497C>T (p.Pro499=)

Genes: KCNQ1 (potassium voltage-gated channel subfamily Q member 1; plus strand), KCNQ1OT1 (KCNQ1 opposite strand/antisense transcript 1; minus strand). Cytogenetic location: 11p15.5.
Variant type: single nucleotide variant.
Coding change: c.1497C>T on transcript NM_000218.3 (MANE Select); coding-DNA position 1497, C replaced by T.
Protein change: p.Pro499=; no amino-acid change (proline 499 retained).
Molecular consequence: synonymous variant.
Genome position (GRCh38, 1-based): chr11:2,662,064, C>T. VCF-style: chr11-2662064-C-T. GRCh37 (hg19) VCF-style: chr11-2683294-C-T.
Other names: c.1401C>T, p.Pro467= (NM_001406836.1); c.1227C>T, p.Pro409= (NM_001406837.1); c.957C>T, p.Pro319= (NM_001406838.1); c.1116C>T, p.Pro372= (NM_181798.2).
Identifiers: ClinVar variation 925940 (VCV000925940.9), dbSNP rs1309942328, ClinGen allele CA472236328.

ClinVar aggregate classification (germline): Likely benign. Review status: criteria provided, multiple submitters, no conflicts (2 of 4 stars). 4 submissions from 4 submitters: Likely benign (4). Last evaluated 2025-06-17.

Conditions:
Cardiac arrhythmia. Also called: Arrhythmia; Cardiac rhythm disease. Identifiers: MedGen C0003811, MONDO:0007263, HP:0011675.
Long QT syndrome (LQTS). Identifiers: MedGen C0023976, MeSH D008133, MONDO:0002442. Disease mechanism: loss of function. Inheritance: Various modes of inheritance.
Cardiovascular phenotype. Identifiers: MedGen CN230736.

Allele frequency attached by ClinVar (database versions not stated): gnomAD exomes below 0.00001; gnomAD 0.00001.
gnomAD v4.1: 2 of 1,614,136 alleles (0.00012%); highest among the groups gnomAD compares: Non-Finnish European, 0.00017%; no homozygotes.

Submissions (4):

Ambry Genetics
Classification: Likely benign for Cardiovascular phenotype. Last evaluated: 2025-06-17. Review status: criteria provided, single submitter. Criteria: Ambry Variant Classification Scheme 2023. Collection method: clinical testing. Allele origin: germline.

Labcorp Genetics (formerly Invitae), Labcorp
Classification: Likely benign for Long QT syndrome. Last evaluated: 2024-05-01. Review status: criteria provided, single submitter. Criteria: Invitae Variant Classification Sherloc (09022015). Collection method: clinical testing. Allele origin: germline.

All of Us Research Program, National Institutes of Health
Classification: Likely benign for Long QT syndrome. Last evaluated: 2023-12-13. Review status: criteria provided, single submitter. Criteria: ACMG Guidelines, 2015. Collection method: clinical testing. Allele origin: germline. Inheritance: Autosomal dominant inheritance. Observed: 3 variant alleles, 3 heterozygotes.
Comment: This study involves interpretation of variants in research participants for the purpose of population health screening. Participant phenotype was not available at the time of variant classification. Additional details can be found in publication PMID: 35346344, PMCID: PMC8962531

Color Diagnostics, LLC DBA Color Health
Classification: Likely benign for Arrhythmia. Last evaluated: 2018-12-03. Review status: criteria provided, single submitter. Criteria: ACMG Guidelines, 2015. Collection method: clinical testing. Allele origin: germline.